The following is an entry in ClinVar:

NM_000051.4(ATM):c.7277T>C (p.Leu2426Pro)

Genes: ATM (ATM serine/threonine kinase; plus strand), C11orf65 (chromosome 11 open reading frame 65; minus strand). Cytogenetic location: 11q22.3.
Variant type: single nucleotide variant.
Coding change: c.7277T>C on transcript NM_000051.4 (MANE Select); coding-DNA position 7277, T replaced by C.
Protein change: p.Leu2426Pro; replaces leucine 2426 with proline.
Molecular consequence: missense variant. On other transcripts: intron variant (2).
Genome position (GRCh38, 1-based): chr11:108,329,208, T>C. VCF-style: chr11-108329208-T-C. GRCh37 (hg19) VCF-style: chr11-108199935-T-C.
Other names: c.7277T>C, p.Leu2426Pro (NM_001351834.2); c.641-20137A>G (NM_001330368.2); c.*38+6012A>G (NM_001351110.2); short protein forms L2426P.
Identifiers: ClinVar variation 654389 (VCV000654389.9), dbSNP rs1591152164, ClinGen allele CA382559779.

ClinVar aggregate classification (germline): Uncertain significance (1 of 4 stars; one submission).

Conditions:
Ataxia-telangiectasia syndrome (AT). Also called: Ataxia-telangiectasia, complementation group D; AT, COMPLEMENTATION GROUP C; ATAXIA-TELANGIECTASIA, COMPLEMENTATION GROUP A; ATAXIA-TELANGIECTASIA, FRESNO VARIANT; Ataxia-telangiectasia; LOUIS-BAR SYNDROME. Identifiers: Orphanet 100, MedGen C0004135, MONDO:0008840, OMIM 208900.

Submission:

Labcorp Genetics (formerly Invitae), Labcorp
Classification: Uncertain significance for Ataxia-telangiectasia syndrome. Last evaluated: 2018-12-07. Review status: criteria provided, single submitter. Criteria: Invitae Variant Classification Sherloc (09022015). Collection method: clinical testing. Allele origin: germline.
Comment: In summary, the available evidence is currently insufficient to determine the role of this variant in disease. Therefore, it has been classified as a Variant of Uncertain Significance. Algorithms developed to predict the effect of missense changes on protein structure and function are either unavailable or do not agree on the potential impact of this missense change (SIFT: "Tolerated"; PolyPhen-2: "Probably Damaging"; Align-GVGD: "Class C15"). This variant has not been reported in the literature in individuals with ATM-related conditions. This variant is not present in population databases (ExAC no frequency). This sequence change replaces leucine with proline at codon 2426 of the ATM protein (p.Leu2426Pro). The leucine residue is moderately conserved and there is a moderate physicochemical difference between leucine and proline.